The following is an entry in ClinVar:

ClinVar aggregate classification (germline): Likely benign. Review status: criteria provided, multiple submitters, no conflicts (2 of 4 stars). 2 submissions from 2 submitters: Likely benign (2). Last evaluated 2024-10-17.

Conditions:
Early-infantile DEE. Also called: Early infantile epileptic encephalopathy with suppression bursts; Early infantile epileptic encephalopathy; Ohtahara syndrome. Identifiers: Orphanet 1934, MedGen C0393706, MONDO:0800491.

Allele frequency attached by ClinVar (database versions not stated): gnomAD exomes 0.00005; ExAC 0.00007; gnomAD below 0.00001 and 0.00002; TOPMed below 0.00001.
gnomAD v4.1: 47 of 1,614,000 alleles (0.0029%); highest among the groups gnomAD compares: South Asian, 0.038%; no homozygotes.

Submissions (2):

Labcorp Genetics (formerly Invitae), Labcorp
Classification: Likely benign for Early-infantile DEE. Last evaluated: 2024-10-17. Review status: criteria provided, single submitter. Criteria: Invitae Variant Classification Sherloc (09022015). Collection method: clinical testing. Allele origin: germline.

GeneDx
Classification: Likely benign. Last evaluated: 2016-04-08. Review status: criteria provided, single submitter. Criteria: GeneDx Variant Classification (06012015). Collection method: clinical testing. Allele origin: germline. Affected: yes.
Comment: This variant is considered likely benign or benign based on one or more of the following criteria: it is a conservative change, it occurs at a poorly conserved position in the protein, it is predicted to be benign by multiple in silico algorithms, and/or has population frequency not consistent with disease.

NM_001130438.3(SPTAN1):c.4884C>T (p.Ala1628=)

Gene: SPTAN1 (spectrin alpha, non-erythrocytic 1; plus strand). Cytogenetic location: 9q34.11.
Variant type: single nucleotide variant.
Coding change: c.4884C>T on transcript NM_001130438.3 (MANE Select); coding-DNA position 4884, C replaced by T.
Protein change: p.Ala1628=; no amino-acid change (alanine 1628 retained).
Molecular consequence: synonymous variant.
Genome position (GRCh38, 1-based): chr9:128,611,824, C>T. VCF-style: chr9-128611824-C-T. GRCh37 (hg19) VCF-style: chr9-131374103-C-T.
Other names: c.4809C>T, p.Ala1603= (NM_001195532.2); c.4884C>T, p.Ala1628= (NM_001363759.2); c.4824C>T, p.Ala1608= (NM_001363765.2); c.4869C>T, p.Ala1623= (NM_003127.4).
Identifiers: ClinVar variation 385283 (VCV000385283.9), dbSNP rs759241143, ClinGen allele CA5265316.
Genomic context (GRCh38, chr9:128,611,824, plus strand): 5'-TGACCGGATCCGTGGGGTTATCGACATGGGCAACTCCCTCATTGAACGTGGAGCCTGTGC[C>T]GGCAGTGAGGATGCTGTCAAGGTATGGCCCACCAGCTCCCGGTGCCCAGGGAGGAAGATG-3'
Protein context (NP_001123910.1, residues 1618-1638): GNSLIERGAC[Ala1628=]GSEDAVKARL